The following is an entry in ClinVar:

ClinVar aggregate classification (germline): Likely benign (1 of 4 stars; one submission).

gnomAD v4.1: 847 of 1,613,870 alleles (0.052%); highest among the groups gnomAD compares: Middle Eastern, 1.4%; 5 homozygotes.

Submission:

CeGaT Center for Human Genetics Tuebingen
Classification: Likely benign. Last evaluated: 2026-08-01. Review status: criteria provided, single submitter. Criteria: CeGaT Center For Human Genetics Tuebingen Variant Classification Criteria Version 2. Collection method: clinical testing. Allele origin: germline. Affected: yes. Observed: 2 variant alleles.
Comment: SNAPC4: BP4, BP7

NM_003086.4(SNAPC4):c.525T>C (p.Ala175=)

Gene: SNAPC4 (small nuclear RNA activating complex polypeptide 4; minus strand). Cytogenetic location: 9q34.3.
Variant type: single nucleotide variant.
Coding change: c.525T>C on transcript NM_003086.4 (MANE Select); coding-DNA position 525, T replaced by C.
Protein change: p.Ala175=; no amino-acid change (alanine 175 retained).
Molecular consequence: synonymous variant.
Genome position (GRCh38, 1-based): chr9:136,394,825, A>G on the plus strand (T>C on the coding strand, the complement: SNAPC4 is on the minus strand). VCF-style: chr9-136394825-A-G. GRCh37 (hg19) VCF-style: chr9-139289277-A-G.
Other names: c.525T>C, p.Ala175= (NM_001394201.1, NM_001394202.1, NM_001394203.1).
Identifiers: ClinVar variation 4533620 (VCV004533620.6).